The following is an entry in ClinVar:

NM_001326411.2(PISD):c.1223C>T (p.Ser408Leu)

Gene: PISD (phosphatidylserine decarboxylase; minus strand). Cytogenetic location: 22q12.2.
Variant type: single nucleotide variant.
Coding change: c.1223C>T on transcript NM_001326411.2 (MANE Select); coding-DNA position 1223, C replaced by T.
Protein change: p.Ser408Leu; replaces serine 408 with leucine.
Molecular consequence: missense variant. On other transcripts: 3 prime UTR variant (1).
Genome position (GRCh38, 1-based): chr22:31,619,619, G>A on the plus strand (C>T on the coding strand, the complement: PISD is on the minus strand). VCF-style: chr22-31619619-G-A. GRCh37 (hg19) VCF-style: chr22-32015605-G-A.
Other names: c.1160C>T, p.Ser387Leu (NM_001326412.1, NM_001326413.2, NM_001326414.2); c.1121C>T, p.Ser374Leu (NM_001326415.2, NM_001326416.2, NM_001326417.2 and 2 more transcripts); c.1043C>T, p.Ser348Leu (NM_001326418.2); c.1007C>T, p.Ser336Leu (NM_001326419.2); c.929C>T, p.Ser310Leu (NM_001326420.2); c.*171C>T (NM_001326421.1); short protein forms S348L, S387L, S336L, S374L, S310L, S408L.
Identifiers: ClinVar variation 1903874 (VCV001903874.4), dbSNP rs370700622, ClinGen allele CA10194500.

ClinVar aggregate classification (germline): Uncertain significance (1 of 4 stars; one submission).

Allele frequency attached by ClinVar (database versions not stated): ExAC 0.00003; gnomAD 0.00007; ESP Exome Variant Server 0.00008; TOPMed 0.00008.
gnomAD v4.1: 52 of 1,612,772 alleles (0.0032%); highest among the groups gnomAD compares: African/African-American, 0.031%; 1 homozygote.

Submission:

Labcorp Genetics (formerly Invitae), Labcorp
Classification: Uncertain significance. Last evaluated: 2022-07-06. Review status: criteria provided, single submitter. Criteria: Invitae Variant Classification Sherloc (09022015). Collection method: clinical testing. Allele origin: germline.
Comment: Algorithms developed to predict the effect of missense changes on protein structure and function are either unavailable or do not agree on the potential impact of this missense change (SIFT: "Not Available"; PolyPhen-2: "Benign"; Align-GVGD: "Not Available"). This sequence change replaces serine, which is neutral and polar, with leucine, which is neutral and non-polar, at codon 408 of the PISD protein (p.Ser408Leu). This variant is present in population databases (rs370700622, gnomAD 0.008%). This variant has not been reported in the literature in individuals affected with PISD-related conditions. In summary, the available evidence is currently insufficient to determine the role of this variant in disease. Therefore, it has been classified as a Variant of Uncertain Significance.